The following is an entry in ClinVar:

NM_001374736.1(DST):c.11863G>A (p.Ala3955Thr)

Gene: DST (dystonin; minus strand). Cytogenetic location: 6p12.1.
Variant type: single nucleotide variant.
Coding change: c.11863G>A on transcript NM_001374736.1 (MANE Select); coding-DNA position 11863, G replaced by A.
Protein change: p.Ala3955Thr; replaces alanine 3955 with threonine.
Molecular consequence: missense variant.
Genome position (GRCh38, 1-based): chr6:56,598,541, C>T on the plus strand (G>A on the coding strand, the complement: DST is on the minus strand). VCF-style: chr6-56598541-C-T. GRCh37 (hg19) VCF-style: chr6-56463339-C-T.
Other names: c.5506G>A, p.Ala1836Thr (NM_001144769.5); c.5092G>A, p.Ala1698Thr (NM_001144770.2); c.11863G>A, p.Ala3955Thr (NM_001374722.1); c.11230G>A, p.Ala3744Thr (NM_001374729.1); c.4972G>A, p.Ala1658Thr (NM_001374730.1, NM_183380.4); c.11890G>A, p.Ala3964Thr (NM_001374734.1); c.3994G>A, p.Ala1332Thr (NM_015548.5); short protein forms A1332T, A3955T, A1658T, A1836T, A3964T, A1698T, A3744T.
Identifiers: ClinVar variation 967766 (VCV000967766.8), dbSNP rs751130956, ClinGen allele CA3868568.

ClinVar aggregate classification (germline): Uncertain significance (1 of 4 stars; one submission).

Conditions:
Hereditary sensory and autonomic neuropathy type 6. Also called: Neuropathy, hereditary sensory and autonomic, type VI; HSAN VI. Identifiers: Orphanet 314381, MedGen C3539003, MONDO:0013839, OMIM 614653.
Epidermolysis bullosa simplex 3, localized or generalized intermediate, with BP230 deficiency (EBS3). Also called: Epidermolysis bullosa simplex, autosomal recessive 2; Epidermolysis bullosa simplex due to BP230 deficiency. Identifiers: Orphanet 412181, MedGen C3809470, MONDO:0014180, OMIM 615425.

Allele frequency attached by ClinVar (database versions not stated): gnomAD exomes 0.00001; ExAC 0.00003.
gnomAD v4.1: 3 of 1,608,540 alleles (0.00019%); highest among the groups gnomAD compares: South Asian, 0.0033%; no homozygotes.

Submission:

Labcorp Genetics (formerly Invitae), Labcorp
Classification: Uncertain significance for Epidermolysis bullosa simplex 3, localized or generalized intermediate, with BP230 deficiency; Hereditary sensory and autonomic neuropathy type 6. Last evaluated: 2019-12-18. Review status: criteria provided, single submitter. Criteria: Invitae Variant Classification Sherloc (09022015). Collection method: clinical testing. Allele origin: germline.
Comment: This sequence change replaces alanine with threonine at codon 1332 of the DST protein (p.Ala1332Thr). The alanine residue is moderately conserved and there is a small physicochemical difference between the two amino acids. The DST gene has multiple clinically relevant transcripts. This variant occurs in alternate transcript NM_015548.4, and corresponds to NM_001723.5:c.*16976G>A in the primary transcript. In summary, the available evidence is currently insufficient to determine the role of this variant in disease. Therefore, it has been classified as a Variant of Uncertain Significance. Algorithms developed to predict the effect of missense changes on protein structure and function are either unavailable or do not agree on the potential impact of this missense change (SIFT: "Tolerated"; PolyPhen-2: "Not Available"; Align-GVGD: "Class C0"). This variant has not been reported in the literature in individuals with DST-related conditions. This variant is present in population databases (rs751130956, ExAC 0.02%).